The following is an entry in ClinVar:

ClinVar aggregate classification (germline): Uncertain significance (1 of 4 stars; one submission).

Conditions:
Hereditary nonpolyposis colorectal neoplasms. Identifiers: MedGen C0009405, MeSH D003123.

Submission:

Labcorp Genetics (formerly Invitae), Labcorp
Classification: Uncertain significance for Hereditary nonpolyposis colorectal neoplasms. Last evaluated: 2020-12-30. Review status: criteria provided, single submitter. Criteria: Invitae Variant Classification Sherloc (09022015). Collection method: clinical testing. Allele origin: germline.
Comment: This sequence change replaces threonine with arginine at codon 319 of the MSH6 protein (p.Thr319Arg). The threonine residue is weakly conserved and there is a moderate physicochemical difference between threonine and arginine. This variant is not present in population databases (ExAC no frequency). This variant has not been reported in the literature in individuals with MSH6-related conditions. Advanced modeling of protein sequence and biophysical properties (such as structural, functional, and spatial information, amino acid conservation, physicochemical variation, residue mobility, and thermodynamic stability) performed at Invitae indicates that this missense variant is not expected to disrupt MSH6 protein function. In summary, the available evidence is currently insufficient to determine the role of this variant in disease. Therefore, it has been classified as a Variant of Uncertain Significance.

NM_000179.3(MSH6):c.956C>G (p.Thr319Arg)

Gene: MSH6 (mutS homolog 6; plus strand). Cytogenetic location: 2p16.3.
Variant type: single nucleotide variant.
Coding change: c.956C>G on transcript NM_000179.3 (MANE Select); coding-DNA position 956, C replaced by G.
Protein change: p.Thr319Arg; replaces threonine 319 with arginine.
Molecular consequence: missense variant.
Genome position (GRCh38, 1-based): chr2:47,798,939, C>G. VCF-style: chr2-47798939-C-G. GRCh37 (hg19) VCF-style: chr2-48026078-C-G.
Other names: c.566C>G, p.Thr189Arg (NM_001281492.2); c.50C>G, p.Thr17Arg (NM_001281493.2, NM_001281494.2); short protein forms T189R, T17R, T319R.
Identifiers: ClinVar variation 1361495 (VCV001361495.8), dbSNP rs188252826, ClinGen allele CA346740882.